The following is an entry in ClinVar:

ClinVar aggregate classification (germline): Uncertain significance (1 of 4 stars; one submission).

Submission:

Labcorp Genetics (formerly Invitae), Labcorp
Classification: Uncertain significance. Last evaluated: 2024-02-10. Review status: criteria provided, single submitter. Criteria: Invitae Variant Classification Sherloc (09022015). Collection method: clinical testing. Allele origin: germline.
Comment: This sequence change replaces phenylalanine, which is neutral and non-polar, with leucine, which is neutral and non-polar, at codon 303 of the SAMD9 protein (p.Phe303Leu). This variant is not present in population databases (gnomAD no frequency). This variant has not been reported in the literature in individuals affected with SAMD9-related conditions. Advanced modeling of protein sequence and biophysical properties (such as structural, functional, and spatial information, amino acid conservation, physicochemical variation, residue mobility, and thermodynamic stability) has been performed at Invitae for this missense variant, however the output from this modeling did not meet the statistical confidence thresholds required to predict the impact of this variant on SAMD9 protein function. In summary, the available evidence is currently insufficient to determine the role of this variant in disease. Therefore, it has been classified as a Variant of Uncertain Significance.

NM_017654.4(SAMD9):c.907T>C (p.Phe303Leu)

Gene: SAMD9 (sterile alpha motif domain containing 9; minus strand). Cytogenetic location: 7q21.2.
Variant type: single nucleotide variant.
Coding change: c.907T>C on transcript NM_017654.4 (MANE Select); coding-DNA position 907, T replaced by C.
Protein change: p.Phe303Leu; replaces phenylalanine 303 with leucine.
Molecular consequence: missense variant.
Genome position (GRCh38, 1-based): chr7:93,105,191, A>G on the plus strand (T>C on the coding strand, the complement: SAMD9 is on the minus strand). VCF-style: chr7-93105191-A-G. GRCh37 (hg19) VCF-style: chr7-92734504-A-G.
Other names: c.907T>C, p.Phe303Leu (NM_001193307.2); short protein forms F303L.
Identifiers: ClinVar variation 3670626 (VCV003670626.2).